The following is an entry in ClinVar:

NM_001375524.1(TRRAP):c.5238G>C (p.Glu1746Asp)

Genes: TRRAP (transformation/transcription domain associated protein; plus strand), LOC126860121 (MED14-independent group 3 enhancer GRCh37_chr7:98547245-98548444; plus strand). Cytogenetic location: 7q22.1.
Variant type: single nucleotide variant.
Coding change: c.5238G>C on transcript NM_001375524.1 (MANE Select); coding-DNA position 5238, G replaced by C.
Protein change: p.Glu1746Asp; replaces glutamic acid 1746 with aspartic acid.
Molecular consequence: missense variant.
Genome position (GRCh38, 1-based): chr7:98,950,166, G>C. VCF-style: chr7-98950166-G-C. GRCh37 (hg19) VCF-style: chr7-98547789-G-C.
Other names: c.5217G>C (NM_001244580.1); c.5217G>C, p.Glu1739Asp (NM_001244580.2); c.5163G>C, p.Glu1721Asp (NM_003496.4); short protein forms E1739D, E1721D, E1746D.
Identifiers: ClinVar variation 2799909 (VCV002799909.4), dbSNP rs1554417905, ClinGen allele CA368317184.

ClinVar aggregate classification (germline): Uncertain significance. Review status: criteria provided, multiple submitters, no conflicts (2 of 4 stars). 2 submissions from 2 submitters: Uncertain significance (2). Last evaluated 2025-02-07.

Conditions:
Inborn genetic diseases. Identifiers: MedGen C0950123, MeSH D030342.

Allele frequency attached by ClinVar (database versions not stated): gnomAD exomes below 0.00001.
gnomAD v4.1: 7 of 1,614,202 alleles (0.00043%); highest among the groups gnomAD compares: Admixed American, 0.0083%; no homozygotes.

Submissions (2):

Ambry Genetics
Classification: Uncertain significance for Inborn genetic diseases. Last evaluated: 2025-02-07. Review status: criteria provided, single submitter. Criteria: Ambry Variant Classification Scheme 2023. Collection method: clinical testing. Allele origin: germline.

Labcorp Genetics (formerly Invitae), Labcorp
Classification: Uncertain significance. Last evaluated: 2024-09-10. Review status: criteria provided, single submitter. Criteria: Invitae Variant Classification Sherloc (09022015). Collection method: clinical testing. Allele origin: germline.
Comment: This sequence change replaces glutamic acid, which is acidic and polar, with aspartic acid, which is acidic and polar, at codon 1721 of the TRRAP protein (p.Glu1721Asp). This variant is present in population databases (no rsID available, gnomAD 0.009%). This variant has not been reported in the literature in individuals affected with TRRAP-related conditions. Invitae Evidence Modeling of protein sequence and biophysical properties (such as structural, functional, and spatial information, amino acid conservation, physicochemical variation, residue mobility, and thermodynamic stability) indicates that this missense variant is not expected to disrupt TRRAP protein function with a negative predictive value of 80%. In summary, the available evidence is currently insufficient to determine the role of this variant in disease. Therefore, it has been classified as a Variant of Uncertain Significance.